The following is an entry in ClinVar:

ClinVar aggregate classification (germline): Uncertain significance. Review status: reviewed by expert panel (3 of 4 stars). 2 submissions from 2 submitters: Uncertain significance (1). 1 of the submissions does not count toward it. Last evaluated 2025-07-11.

Conditions:
Inborn genetic diseases. Identifiers: MedGen C0950123, MeSH D030342.
Hereditary thrombocytopenia and hematologic cancer predisposition syndrome. Identifiers: Orphanet 71290, MedGen CN281654, MONDO:0011071.

gnomAD v4.1: 1 of 1,613,946 alleles (0.000062%); highest among the groups gnomAD compares: Non-Finnish European, 0.000085%; no homozygotes.

Submissions (2):

ClinGen Myeloid Malignancy Variant Curation Expert Panel
Classification: Uncertain significance for Hereditary thrombocytopenia and hematologic cancer predisposition syndrome. Last evaluated: 2025-07-11. Review status: reviewed by expert panel. Criteria: ClinGen MyeloMalig ACMG Specifications v2. Collection method: curation. Allele origin: germline. Inheritance: Autosomal dominant inheritance.
Comment: NM_001754.5(RUNX1):c.940T>C (p.Ser314Pro) is a missense variant which has a REVEL score < 0.50 (0.244), and a SpliceAI score ≤ 0.20 (0.0) (BP4). This variant is completely absent from all population databases with at least 20x coverage for RUNX1 (PM2_Supporting). In summary, the clinical significance of this variant is uncertain. ACMG/AMP criteria applied, as specified by the Myeloid Malignancy Variant Curation Expert Panel for RUNX1: PM2_supporting, BP4.

Ambry Genetics
Classification: Uncertain significance for Inborn genetic diseases. Last evaluated: 2025-02-04. Review status: criteria provided, single submitter. Criteria: Ambry Variant Classification Scheme 2023. Collection method: clinical testing. Allele origin: germline. Not counted in ClinVar's aggregate classification.
Comment: The p.S314P variant (also known as c.940T>C), located in coding exon 7 of the RUNX1 gene, results from a T to C substitution at nucleotide position 940. The serine at codon 314 is replaced by proline, an amino acid with similar properties. This amino acid position is well conserved in available vertebrate species. In addition, the in silico prediction for this alteration is inconclusive. Based on the available evidence, the clinical significance of this variant remains unclear.

NM_001754.5(RUNX1):c.940T>C (p.Ser314Pro)

Gene: RUNX1 (RUNX family transcription factor 1; minus strand). Cytogenetic location: 21q22.12.
Variant type: single nucleotide variant.
Coding change: c.940T>C on transcript NM_001754.5 (MANE Select); coding-DNA position 940, T replaced by C.
Protein change: p.Ser314Pro; replaces serine 314 with proline.
Molecular consequence: missense variant.
Genome position (GRCh38, 1-based): chr21:34,799,328, A>G on the plus strand (T>C on the coding strand, the complement: RUNX1 is on the minus strand). VCF-style: chr21-34799328-A-G. GRCh37 (hg19) VCF-style: chr21-36171625-A-G.
Other names: NM_001754.5(RUNX1):c.940T>C; p.Ser314Pro; c.859T>C, p.Ser287Pro (NM_001001890.3); short protein forms S314P, S287P.
Identifiers: ClinVar variation 3791460 (VCV003791460.1).